The following is an entry in ClinVar:

NC_000005.10:g.112707336dup

Gene: APC (APC regulator of Wnt signaling pathway; plus strand). Cytogenetic location: 5q22.2.
Variant type: Duplication.
Genome position: GRCh38 VCF-style: chr5-112707335-C-CA. GRCh37 (hg19) VCF-style: chr5-112043032-C-CA.
Identifiers: ClinVar variation 651882 (VCV000651882.10), dbSNP rs1293984809, ClinGen allele CA561890073.

ClinVar aggregate classification (germline): Uncertain significance (1 of 4 stars; one submission).

Conditions:
Familial adenomatous polyposis 1 (FAP1). Also called: FAMILIAL ADENOMATOUS POLYPOSIS 1, ATTENUATED; POLYPOSIS, ADENOMATOUS INTESTINAL. Identifiers: MedGen C2713442, MONDO:0021056, OMIM 175100. Disease mechanism: loss of function.

Allele frequency attached by ClinVar (database versions not stated): gnomAD 0.00003; TOPMed 0.00003; 1000 Genomes Project 30x 0.00016.

Submission:

Labcorp Genetics (formerly Invitae), Labcorp
Classification: Uncertain significance for Familial adenomatous polyposis 1. Last evaluated: 2026-02-03. Review status: criteria provided, single submitter. Criteria: Invitae Variant Classification Sherloc (09022015). Collection method: clinical testing. Allele origin: germline.
Comment: This variant occurs in a non-coding region of the APC gene. It does not change the encoded amino acid sequence of the APC protein. This variant is present in population databases (no rsID available, gnomAD 0.06%). This variant has not been reported in the literature in individuals affected with APC-related conditions. Experimental studies and prediction algorithms are not available or were not evaluated, and the functional significance of this variant is currently unknown. In summary, the available evidence is currently insufficient to determine the role of this variant in disease. Therefore, it has been classified as a Variant of Uncertain Significance.